The following is an entry in ClinVar:

ClinVar aggregate classification (germline): Likely pathogenic (1 of 4 stars; one submission).

Conditions:
Usher syndrome type 1F (USH1F). Also called: USHER SYNDROME, TYPE IF. Identifiers: Orphanet 231169, Orphanet 886, MedGen C1865885, MONDO:0011186, OMIM 602083.

Submission:

Natera, Inc.
Classification: Likely pathogenic for Usher syndrome type 1F. Last evaluated: 2025-10-07. Review status: criteria provided, single submitter. Criteria: Natera Variant Classification Schema (03/2026). Collection method: clinical testing. Allele origin: germline.
Comment: The c.232_233del variant in PCDH15 is a frameshift variant predicted to shift the reading frame beginning at codon 78 and leads to a stop codon 2 codons downstream. This variant is expected to result in nonsense mediated decay, truncation, or a dysfunctional protein product. This variant is rare in the general population with a frequency below the threshold expected for the associated phenotype(s). Given the available evidence, this variant is classified as Likely Pathogenic.

NM_001384140.1(PCDH15):c.232_233del (p.Lys78fs)

Gene: PCDH15 (protocadherin related 15; minus strand). Cytogenetic location: 10q21.1.
Variant type: Deletion.
Coding change: c.232_233del on transcript NM_001384140.1 (MANE Select); coding-DNA positions 232 to 233, 2 bases deleted (AA; older notation c.232_233delAA).
Protein change: p.Lys78fs; shifts the reading frame from lysine 78.
Molecular consequence: frameshift variant.
Genome position (GRCh38, 1-based): chr10:54,378,867-54,378,868, TT deleted on the plus strand (AA on the coding strand, the reverse complement: PCDH15 is on the minus strand); deleting any 2 consecutive bases within chr10:54,378,867-54,378,869 gives the same sequence; the c. name uses the placement nearest the transcript's 3' end. VCF-style (leftmost placement, unchanged base first): chr10-54378866-CTT-C. GRCh37 (hg19) VCF-style: chr10-56138626-CTT-C.
Other names: c.247_248del, p.Lys83fs (NM_001142763.2, NM_001142771.2); c.232_233del, p.Lys78fs (NM_001142764.2, NM_001142765.2, NM_001142766.2 and 8 more transcripts); c.166_167del, p.Lys56fs (NM_001142768.2, NM_001142773.2, NM_001354404.2); c.246_247delAA, p.Lys83Glyfs (NM_001142769.4); short protein forms K56fs, K78fs, K83fs.
Identifiers: ClinVar variation 4816363 (VCV004816363.1).